The following is an entry in ClinVar:

NM_022089.4(ATP13A2):c.1239C>A (p.His413Gln)

Gene: ATP13A2 (ATPase cation transporting 13A2; minus strand). Cytogenetic location: 1p36.13.
Variant type: single nucleotide variant.
Coding change: c.1239C>A on transcript NM_022089.4 (MANE Select); coding-DNA position 1239, C replaced by A.
Protein change: p.His413Gln; replaces histidine 413 with glutamine.
Molecular consequence: missense variant.
Genome position (GRCh38, 1-based): chr1:16,996,453, G>T on the plus strand (C>A on the coding strand, the complement: ATP13A2 is on the minus strand). VCF-style: chr1-16996453-G-T. GRCh37 (hg19) VCF-style: chr1-17322948-G-T.
Other names: c.1224C>A, p.His408Gln (NM_001141973.3, NM_001141974.3); short protein forms H408Q, H413Q.
Identifiers: ClinVar variation 1315034 (VCV001315034.3), dbSNP rs1198645332, ClinGen allele CA338254706.
Genomic context (GRCh38, chr1:16,996,453, plus strand): 5'-AGAGAGGGCAGCCACAAACTTCATGCTGTGTTTATAGAACTTGAAGTTGATGGGCCGGGG[G>T]TGCAAGATGGAGCTCACCAGGCCCCCTTTTGCCGTGCAGAACCCTGGGGAGGAGGCGGGG-3'
Protein context (NP_071372.1, residues 403-423): AKGGLVSSIL[His413Gln]PRPINFKFYK

ClinVar aggregate classification (germline): Uncertain significance. Review status: criteria provided, multiple submitters, no conflicts (2 of 4 stars). 2 submissions from 2 submitters: Uncertain significance (2). Last evaluated 2023-06-12.

Submissions (2):

Blueprint Genetics
Classification: Uncertain significance. Last evaluated: 2023-06-12. Review status: criteria provided, single submitter. Criteria: ACMG Guidelines, 2015. Collection method: clinical testing. Allele origin: germline.

GeneDx
Classification: Uncertain significance. Last evaluated: 2020-01-28. Review status: criteria provided, single submitter. Criteria: GeneDx Variant Classification Process June 2021. Collection method: clinical testing. Allele origin: germline. Affected: yes.
Comment: In silico analysis supports that this missense variant has a deleterious effect on protein structure/function; Has not been previously published as pathogenic or benign to our knowledge